The following is an entry in ClinVar:

ClinVar aggregate classification (germline): Uncertain significance (1 of 4 stars; one submission).

Allele frequency attached by ClinVar (database versions not stated): gnomAD exomes 0.00001; TOPMed 0.00001; gnomAD 0.00003.
gnomAD v4.1: 11 of 1,610,728 alleles (0.00068%); highest among the groups gnomAD compares: Non-Finnish European, 0.00093%; no homozygotes.

Submission:

Labcorp Genetics (formerly Invitae), Labcorp
Classification: Uncertain significance. Last evaluated: 2022-05-27. Review status: criteria provided, single submitter. Criteria: Invitae Variant Classification Sherloc (09022015). Collection method: clinical testing. Allele origin: germline.
Comment: This sequence change replaces glycine, which is neutral and non-polar, with valine, which is neutral and non-polar, at codon 485 of the COL18A1 protein (p.Gly485Val). This variant is present in population databases (no rsID available, gnomAD 0.002%). This variant has not been reported in the literature in individuals affected with COL18A1-related conditions. Experimental studies and prediction algorithms are not available or were not evaluated, and the functional significance of this variant is currently unknown. In summary, the available evidence is currently insufficient to determine the role of this variant in disease. Therefore, it has been classified as a Variant of Uncertain Significance.

NM_001379500.1(COL18A1):c.1454G>T (p.Gly485Val)

Gene: COL18A1 (collagen type XVIII alpha 1 chain; plus strand). Cytogenetic location: 21q22.3.
Variant type: single nucleotide variant.
Coding change: c.1454G>T on transcript NM_001379500.1 (MANE Select); coding-DNA position 1454, G replaced by T.
Protein change: p.Gly485Val; replaces glycine 485 with valine.
Molecular consequence: missense variant.
Genome position (GRCh38, 1-based): chr21:45,480,701, G>T. VCF-style: chr21-45480701-G-T. GRCh37 (hg19) VCF-style: chr21-46900615-G-T.
Other names: c.1994G>T, p.Gly665Val (NM_030582.4); c.2699G>T, p.Gly900Val (NM_130444.3); short protein forms G665V, G485V, G900V.
Identifiers: ClinVar variation 1438056 (VCV001438056.4), dbSNP rs912817242, ClinGen allele CA321917450.